The following is an entry in ClinVar:

ClinVar aggregate classification (germline): Uncertain significance (1 of 4 stars; one submission).

Conditions:
Cardiovascular phenotype. Identifiers: MedGen CN230736.

Allele frequency attached by ClinVar (database versions not stated): gnomAD exomes below 0.00001; TOPMed below 0.00001.
gnomAD v4.1: 4 of 1,614,078 alleles (0.00025%); highest among the groups gnomAD compares: Non-Finnish European, 0.00025%; no homozygotes.

Submission:

Ambry Genetics
Classification: Uncertain significance for Cardiovascular phenotype. Last evaluated: 2022-04-03. Review status: criteria provided, single submitter. Criteria: Ambry Variant Classification Scheme 2023. Collection method: clinical testing. Allele origin: germline.
Comment: The p.F816L variant (also known as c.2448T>G), located in coding exon 14 of the EPHB4 gene, results from a T to G substitution at nucleotide position 2448. The phenylalanine at codon 816 is replaced by leucine, an amino acid with highly similar properties. This amino acid position is conserved. In addition, the in silico prediction for this alteration is inconclusive. Since supporting evidence is limited at this time, the clinical significance of this alteration remains unclear.

NM_004444.5(EPHB4):c.2448T>G (p.Phe816Leu)

Genes: EPHB4 (EPH receptor B4; minus strand), LOC126860124 (CDK7 strongly-dependent group 2 enhancer GRCh37_chr7:100403701-100404900; plus strand). Cytogenetic location: 7q22.1.
Variant type: single nucleotide variant.
Coding change: c.2448T>G on transcript NM_004444.5 (MANE Select); coding-DNA position 2448, T replaced by G.
Protein change: p.Phe816Leu; replaces phenylalanine 816 with leucine.
Molecular consequence: missense variant.
Genome position (GRCh38, 1-based): chr7:100,806,456, A>C on the plus strand (T>G on the coding strand, the complement: EPHB4 is on the minus strand). VCF-style: chr7-100806456-A-C. GRCh37 (hg19) VCF-style: chr7-100404078-A-C.
Other names: short protein forms F816L.
Identifiers: ClinVar variation 1791431 (VCV001791431.2), dbSNP rs1024547571, ClinGen allele CA163276059.